The following is an entry in ClinVar:

ClinVar aggregate classification (germline): Uncertain significance. Review status: criteria provided, multiple submitters, no conflicts (2 of 4 stars). 2 submissions from 2 submitters: Uncertain significance (2). Last evaluated 2022-01-05.

Conditions:
Type 2 diabetes mellitus. Also called: Type II diabetes mellitus. Identifiers: MedGen C0011860, MeSH D003924, MONDO:0005148, OMIM 125853, HP:0005978.
Maturity-onset diabetes of the young type 6 (MODY6). Identifiers: Orphanet 552, MedGen C1853371, MONDO:0011668, OMIM 606394.

Allele frequency attached by ClinVar (database versions not stated): gnomAD exomes below 0.00001; ExAC 0.00001.

Submissions (2):

Fulgent Genetics
Classification: Uncertain significance for Type 2 diabetes mellitus; Maturity-onset diabetes of the young type 6. Last evaluated: 2022-01-05. Review status: criteria provided, single submitter. Criteria: ACMG Guidelines, 2015. Collection method: clinical testing. Allele origin: unknown.

Labcorp Genetics (formerly Invitae), Labcorp
Classification: Uncertain significance. Last evaluated: 2021-08-02. Review status: criteria provided, single submitter. Criteria: Invitae Variant Classification Sherloc (09022015). Collection method: clinical testing. Allele origin: germline.
Comment: Algorithms developed to predict the effect of missense changes on protein structure and function are either unavailable or do not agree on the potential impact of this missense change (SIFT: "Deleterious"; PolyPhen-2: "Benign"; Align-GVGD: "Class C0"). In summary, the available evidence is currently insufficient to determine the role of this variant in disease. Therefore, it has been classified as a Variant of Uncertain Significance. This variant has not been reported in the literature in individuals affected with NEUROD1-related conditions. This variant is present in population databases (rs773755753, ExAC 0.01%). This sequence change replaces glutamic acid with lysine at codon 32 of the NEUROD1 protein (p.Glu32Lys). The glutamic acid residue is moderately conserved and there is a small physicochemical difference between glutamic acid and lysine.

NM_002500.5(NEUROD1):c.94G>A (p.Glu32Lys)

Gene: NEUROD1 (neuronal differentiation 1; minus strand). Cytogenetic location: 2q31.3.
Variant type: single nucleotide variant.
Coding change: c.94G>A on transcript NM_002500.5 (MANE Select); coding-DNA position 94, G replaced by A.
Protein change: p.Glu32Lys; replaces glutamic acid 32 with lysine.
Molecular consequence: missense variant.
Genome position (GRCh38, 1-based): chr2:181,678,767, C>T on the plus strand (G>A on the coding strand, the complement: NEUROD1 is on the minus strand). VCF-style: chr2-181678767-C-T. GRCh37 (hg19) VCF-style: chr2-182543494-C-T.
Other names: short protein forms E32K.
Identifiers: ClinVar variation 1493150 (VCV001493150.7), dbSNP rs773755753, ClinGen allele CA2011190.